The following is an entry in ClinVar:

ClinVar aggregate classification (germline): Pathogenic (1 of 4 stars; one submission).

Conditions:
Alstrom syndrome (ALMS). Identifiers: Orphanet 64, MedGen C0268425, MONDO:0008763, OMIM 203800.

Submission:

Labcorp Genetics (formerly Invitae), Labcorp
Classification: Pathogenic for Alstrom syndrome. Last evaluated: 2022-06-24. Review status: criteria provided, single submitter. Criteria: Invitae Variant Classification Sherloc (09022015). Collection method: clinical testing. Allele origin: germline.
Comment: For these reasons, this variant has been classified as Pathogenic. This variant has not been reported in the literature in individuals affected with ALMS1-related conditions. This variant is not present in population databases (gnomAD no frequency). This sequence change creates a premature translational stop signal (p.Phe3256Leufs*30) in the ALMS1 gene. It is expected to result in an absent or disrupted protein product. Loss-of-function variants in ALMS1 are known to be pathogenic (PMID: 17594715).

Literature cited by the submitters: PubMed 17594715.

NM_001378454.1(ALMS1):c.9760_9764dup (p.Phe3255fs)

Gene: ALMS1 (ALMS1 centrosome and basal body associated protein; plus strand). Cytogenetic location: 2p13.1.
Variant type: Duplication.
Coding change: c.9760_9764dup on transcript NM_001378454.1 (MANE Select); coding-DNA positions 9760 to 9764, 5 bases duplicated (ACTTT; older notation c.9760_9764dupACTTT).
Protein change: p.Phe3255fs; shifts the reading frame from phenylalanine 3255.
Molecular consequence: frameshift variant.
Genome position (GRCh38, 1-based): chr2:73,519,995-73,519,999, ACTTT duplicated; duplicating any 5 consecutive bases within chr2:73,519,993-73,519,999 gives the same sequence; the c. name uses the placement nearest the transcript's 3' end. VCF-style (leftmost placement, unchanged base first): chr2-73519992-G-GTTACT. GRCh37 (hg19) VCF-style: chr2-73747119-G-GTTACT.
Other names: c.9763_9767dup, p.Phe3256fs (NM_015120.4); short protein forms F3256fs, F3255fs.
Identifiers: ClinVar variation 2010222 (VCV002010222.4), dbSNP rs2466304058, ClinGen allele CA2580068163.